The following is an entry in ClinVar:

NM_006361.6(HOXB13):c.812A>G (p.Glu271Gly)

Gene: HOXB13 (homeobox B13; minus strand). Cytogenetic location: 17q21.32.
Variant type: single nucleotide variant.
Coding change: c.812A>G on transcript NM_006361.6 (MANE Select); coding-DNA position 812, A replaced by G.
Protein change: p.Glu271Gly; replaces glutamic acid 271 with glycine.
Molecular consequence: missense variant.
Genome position (GRCh38, 1-based): chr17:48,726,833, T>C on the plus strand (A>G on the coding strand, the complement: HOXB13 is on the minus strand). VCF-style: chr17-48726833-T-C. GRCh37 (hg19) VCF-style: chr17-46804195-T-C.
Other names: short protein forms E271G.
Identifiers: ClinVar variation 2563732 (VCV002563732.2), dbSNP rs2509512784, ClinGen allele CA400105469.

ClinVar aggregate classification (germline): Uncertain significance (1 of 4 stars; one submission).

Conditions:
Hereditary cancer-predisposing syndrome. Also called: Neoplastic Syndromes, Hereditary; Hereditary Cancer Syndrome; Hereditary neoplastic syndrome; Tumor predisposition. Identifiers: Orphanet 140162, MedGen C0027672, MeSH D009386, MONDO:0015356.

Submission:

Ambry Genetics
Classification: Uncertain significance for Hereditary cancer-predisposing syndrome. Last evaluated: 2023-03-27. Review status: criteria provided, single submitter. Criteria: Ambry Variant Classification Scheme 2023. Collection method: clinical testing. Allele origin: germline.
Comment: The p.E271G variant (also known as c.812A>G), located in coding exon 2 of the HOXB13 gene, results from an A to G substitution at nucleotide position 812. The glutamic acid at codon 271 is replaced by glycine, an amino acid with similar properties. This amino acid position is conserved. In addition, this alteration is predicted to be deleterious by in silico analysis. Since supporting evidence is limited at this time, the clinical significance of this alteration remains unclear.